The following is an entry in ClinVar:

ClinVar aggregate classification (germline): Conflicting classifications of pathogenicity. Review status: criteria provided, conflicting classifications (1 of 4 stars). 2 submissions from 2 submitters: Uncertain significance (1); Likely benign (1). Last evaluated 2026-02-06.

Conditions:
Inborn genetic diseases. Identifiers: MedGen C0950123, MeSH D030342.

Allele frequency attached by ClinVar (database versions not stated): gnomAD exomes 0.00008; gnomAD 0.00003; TOPMed 0.00004; ExAC 0.00007.
gnomAD v4.1: 19 of 1,613,808 alleles (0.0012%); highest among the groups gnomAD compares: East Asian, 0.042%; no homozygotes.

Submissions (2):

Ambry Genetics
Classification: Likely benign for Inborn genetic diseases. Last evaluated: 2026-02-06. Review status: criteria provided, single submitter. Criteria: Ambry Variant Classification Scheme 2023. Collection method: clinical testing. Allele origin: germline.

Labcorp Genetics (formerly Invitae), Labcorp
Classification: Uncertain significance. Last evaluated: 2022-09-07. Review status: criteria provided, single submitter. Criteria: Invitae Variant Classification Sherloc (09022015). Collection method: clinical testing. Allele origin: germline.
Comment: This sequence change replaces alanine, which is neutral and non-polar, with valine, which is neutral and non-polar, at codon 1488 of the ATR protein (p.Ala1488Val). This variant is present in population databases (rs753008812, gnomAD 0.1%). This variant has not been reported in the literature in individuals affected with ATR-related conditions. ClinVar contains an entry for this variant (Variation ID: 948396). Algorithms developed to predict the effect of missense changes on protein structure and function (SIFT, PolyPhen-2, Align-GVGD) all suggest that this variant is likely to be tolerated. In summary, the available evidence is currently insufficient to determine the role of this variant in disease. Therefore, it has been classified as a Variant of Uncertain Significance.

Literature cited by the submitters: PubMed 28518168 (cited by Ambry Genetics); PubMed 32461654 (cited by Ambry Genetics).

NM_001184.4(ATR):c.4463C>T (p.Ala1488Val)

Gene: ATR (ATR checkpoint kinase; minus strand). Cytogenetic location: 3q23.
Variant type: single nucleotide variant.
Coding change: c.4463C>T on transcript NM_001184.4 (MANE Select); coding-DNA position 4463, C replaced by T.
Protein change: p.Ala1488Val; replaces alanine 1488 with valine.
Molecular consequence: missense variant.
Genome position (GRCh38, 1-based): chr3:142,515,435, G>A on the plus strand (C>T on the coding strand, the complement: ATR is on the minus strand). VCF-style: chr3-142515435-G-A. GRCh37 (hg19) VCF-style: chr3-142234277-G-A.
Other names: c.4271C>T, p.Ala1424Val (NM_001354579.2); short protein forms A1424V, A1488V.
Identifiers: ClinVar variation 948396 (VCV000948396.6), dbSNP rs753008812, ClinGen allele CA2649844.